The following is an entry in ClinVar:

NM_032043.3(BRIP1):c.2395C>G (p.Gln799Glu)

Gene: BRIP1 (BRCA1 interacting DNA helicase 1; minus strand). Cytogenetic location: 17q23.2.
Variant type: single nucleotide variant.
Coding change: c.2395C>G on transcript NM_032043.3 (MANE Select); coding-DNA position 2395, C replaced by G.
Protein change: p.Gln799Glu; replaces glutamine 799 with glutamic acid.
Molecular consequence: missense variant.
Genome position (GRCh38, 1-based): chr17:61,716,048, G>C on the plus strand (C>G on the coding strand, the complement: BRIP1 is on the minus strand). VCF-style: chr17-61716048-G-C. GRCh37 (hg19) VCF-style: chr17-59793409-G-C.
Other names: short protein forms Q799E.
Identifiers: ClinVar variation 821206 (VCV000821206.6), dbSNP rs1603293473, ClinGen allele CA400479807.

ClinVar aggregate classification (germline): Uncertain significance. Review status: criteria provided, multiple submitters, no conflicts (2 of 4 stars). 2 submissions from 2 submitters: Uncertain significance (2). Last evaluated 2025-11-26.

Conditions:
Hereditary cancer-predisposing syndrome. Also called: Hereditary Cancer Syndrome; Neoplastic Syndromes, Hereditary; Hereditary neoplastic syndrome; Tumor predisposition. Identifiers: Orphanet 140162, MedGen C0027672, MeSH D009386, MONDO:0015356.
Familial cancer of breast. Also called: Hereditary breast cancer; hereditary breast carcinoma; BREAST CANCER, FAMILIAL. Identifiers: Orphanet 227535, MedGen C0346153, MONDO:0016419, OMIM 114480. Disease mechanism: loss of function.
Fanconi anemia complementation group J. Also called: BRIP1-Related Fanconi Anemia. Identifiers: Orphanet 84, MedGen C1836860, MONDO:0012187, OMIM 609054.

Submissions (2):

Ambry Genetics
Classification: Uncertain significance for Hereditary cancer-predisposing syndrome. Last evaluated: 2025-11-26. Review status: criteria provided, single submitter. Criteria: Ambry Variant Classification Scheme 2023. Collection method: clinical testing. Allele origin: germline.
Comment: The p.Q799E variant (also known as c.2395C>G), located in coding exon 16 of the BRIP1 gene, results from a C to G substitution at nucleotide position 2395. The glutamine at codon 799 is replaced by glutamic acid, an amino acid with highly similar properties. This amino acid position is poorly conserved in available vertebrate species. In addition, this alteration is predicted to be tolerated by in silico analysis. Since supporting evidence is limited at this time, the clinical significance of this alteration remains unclear.

Labcorp Genetics (formerly Invitae), Labcorp
Classification: Uncertain significance for Familial cancer of breast; Fanconi anemia complementation group J. Last evaluated: 2025-11-10. Review status: criteria provided, single submitter. Criteria: Invitae Variant Classification Sherloc (09022015). Collection method: clinical testing. Allele origin: germline.
Comment: This sequence change replaces glutamine, which is neutral and polar, with glutamic acid, which is acidic and polar, at codon 799 of the BRIP1 protein (p.Gln799Glu). This variant is not present in population databases (gnomAD no frequency). This variant has not been reported in the literature in individuals affected with BRIP1-related conditions. ClinVar contains an entry for this variant (Variation ID: 821206). Invitae Evidence Modeling of protein sequence and biophysical properties (such as structural, functional, and spatial information, amino acid conservation, physicochemical variation, residue mobility, and thermodynamic stability) indicates that this missense variant is not expected to disrupt BRIP1 protein function with a negative predictive value of 95%. In summary, the available evidence is currently insufficient to determine the role of this variant in disease. Therefore, it has been classified as a Variant of Uncertain Significance.